The following is an entry in ClinVar:

ClinVar aggregate classification (germline): Benign/Likely benign. Review status: criteria provided, multiple submitters, no conflicts (2 of 4 stars). 10 submissions from 10 submitters: Benign (4); Likely benign (5). 1 of the submissions does not count toward it. Last evaluated 2026-04-10.

Conditions:
Polycystic kidney disease, adult type (PKD1). Also called: POLYCYSTIC KIDNEY DISEASE 1 WITH OR WITHOUT POLYCYSTIC LIVER DISEASE; Polycystic Kidney Disease 1, Autosomal Dominant; Polycystic kidney disease 1; Polycystic kidney disease 1, severe; Polycystic Kidney, Autosomal Dominant; POLYCYSTIC KIDNEY DISEASE, ADULT, TYPE I. Identifiers: MedGen C3149841, MONDO:0008263, OMIM 173900.
Polycystic kidney disease. Also called: Kidney, Polycystic; Polycystic kidney dysplasia. Identifiers: MedGen C0022680, MeSH D007690, MONDO:0020642, HP:0000113.

Allele frequency attached by ClinVar (database versions not stated): 1000 Genomes Project 30x 0.00031; gnomAD 0.00115 and 0.00116; gnomAD exomes 0.00116 and 0.00250; TOPMed 0.00141; ExAC 0.00444.
gnomAD v4.1: 1,497 of 1,221,104 alleles (0.12%); highest among the groups gnomAD compares: Middle Eastern, 1.1%; 12 homozygotes.

Submissions (10):

Women's Health and Genetics/Laboratory Corporation of America, LabCorp
Classification: Benign. Last evaluated: 2026-04-10. Review status: criteria provided, single submitter. Criteria: LabCorp Variant Classification Summary - May 2015. Collection method: clinical testing. Allele origin: germline.

CeGaT Center for Human Genetics Tuebingen
Classification: Benign. Last evaluated: 2026-04-01. Review status: criteria provided, single submitter. Criteria: CeGaT Center For Human Genetics Tuebingen Variant Classification Criteria Version 2. Collection method: clinical testing. Allele origin: germline. Affected: yes. Observed: 13 variant alleles.
Comment: PKD1: BS1, BS2

Blueprint Genetics
Classification: Benign. Last evaluated: 2024-11-20. Review status: criteria provided, single submitter. Criteria: ACMG Guidelines, 2015. Collection method: clinical testing. Allele origin: germline.

Fulgent Genetics
Classification: Likely benign for Polycystic kidney disease, adult type. Last evaluated: 2021-08-10. Review status: criteria provided, single submitter. Criteria: ACMG Guidelines, 2015. Collection method: clinical testing. Allele origin: unknown.

GeneDx
Classification: Likely benign. Last evaluated: 2020-12-14. Review status: criteria provided, single submitter. Criteria: GeneDx Variant Classification Process June 2021. Collection method: clinical testing. Allele origin: germline. Affected: yes.
Comment: This variant is associated with the following publications: (PMID: 17574468)

Athena Diagnostics
Classification: Benign. Last evaluated: 2017-03-13. Review status: criteria provided, single submitter. Criteria: Athena Diagnostics Criteria. Collection method: clinical testing. Allele origin: germline.

ARUP Laboratories, Molecular Genetics and Genomics, ARUP Laboratories
Classification: Likely benign. Last evaluated: 2016-10-20. Review status: criteria provided, single submitter. Criteria: ARUP Molecular Germline Variant Investigation Process. Collection method: clinical testing. Allele origin: germline.

Breakthrough Genomics
Classification: Likely benign. Review status: criteria provided, single submitter. Criteria: ACMG Guidelines, 2015. Collection method: not provided. Allele origin: germline. Inheritance: Autosomal dominant inheritance. Affected: yes.

PreventionGenetics, part of Exact Sciences
Classification: Likely benign. Review status: criteria provided, single submitter. Criteria: ACMG Guidelines, 2015. Collection method: clinical testing. Allele origin: germline.

Department of Pathology and Laboratory Medicine, Sinai Health System
Classification: Likely benign for Polycystic Kidney disease. Review status: no assertion criteria provided. Collection method: clinical testing. Allele origin: unknown. Affected: yes. Observed: 3 variant alleles. Study: The Canadian Open Genetics Repository (COGR). Not counted in ClinVar's aggregate classification.
Comment: The PKD1 p.Ser196= variant was identified in 2 of 164 proband chromosomes (frequency: 0.01) from individuals or families with ADPKD (Garcia-Gonzalez 2007). The variant was also identified in dbSNP (ID: rs776302294) as "With other allele ", ClinVar (classified as benign by Athena Diagnostics; as likely benign by PreventionGenetics and ARUP), and in ADPKD Mutation Database (likely neutral). The variant was not identified in LOVD 3.0, or PKD1-LOVD, databases. The variant was identified in control databases in 342 of 159848 chromosomes (3 homozygous) at a frequency of 0.002 increasing the likelihood this could be a low frequency benign variant (Genome Aggregation Database Feb 27, 2017). The variant was observed in the following populations: African in 1 of 14724 chromosomes (freq: 0.00007), Other in 14 of 4544 chromosomes (freq: 0.003), Latino in 18 of 24560 chromosomes (freq: 0.0007), European in 78 of 64948 chromosomes (freq: 0.001), Ashkenazi Jewish in 212 of 8190 chromosomes (freq: 0.03), and South Asian in 19 of 22622 chromosomes (freq: 0.0008), while the variant was not observed in the East Asian, and Finnish, populations. In addition we cannot be certain that data from control databases is specific to PKD1 and not from one of the six PKD1 pseudogenes. The p.Ser196= variant is not expected to have clinical significance because it does not result in a change of amino acid and is not located in a known consensus splice site. In addition, in silico or computational prediction software programs (SpliceSiteFinder, MaxEntScan, NNSPLICE, GeneSplicer) do not predict a difference in splicing. In summary, based on the above information the clinical significance of this variant cannot be determined with certainty at this time although we would lean towards a more benign role for this variant. This variant is classified as likely benign.

Literature cited by the submitters: PubMed 25757501 (cited by Athena Diagnostics); PubMed 17574468 (cited by Athena Diagnostics).

NM_001009944.3(PKD1):c.588C>T (p.Ser196=)

Gene: PKD1 (polycystin 1, transient receptor potential channel interacting; minus strand). Cytogenetic location: 16p13.3.
Variant type: single nucleotide variant.
Coding change: c.588C>T on transcript NM_001009944.3 (MANE Select); coding-DNA position 588, C replaced by T.
Protein change: p.Ser196=; no amino-acid change (serine 196 retained).
Molecular consequence: synonymous variant.
Genome position (GRCh38, 1-based): chr16:2,118,404, G>A on the plus strand (C>T on the coding strand, the complement: PKD1 is on the minus strand). VCF-style: chr16-2118404-G-A. GRCh37 (hg19) VCF-style: chr16-2168405-G-A.
Other names: c.588C>T, p.Ser196= (NM_000296.4).
Identifiers: ClinVar variation 256985 (VCV000256985.41), dbSNP rs776302294, ClinGen allele CA7833692.